The following is an entry in ClinVar:

NM_019594.4(LRRC8A):c.448A>G (p.Ser150Gly)

Gene: LRRC8A (leucine rich repeat containing 8 VRAC subunit A; plus strand). Cytogenetic location: 9q34.11.
Variant type: single nucleotide variant.
Coding change: c.448A>G on transcript NM_019594.4 (MANE Select); coding-DNA position 448, A replaced by G.
Protein change: p.Ser150Gly; replaces serine 150 with glycine.
Molecular consequence: missense variant.
Genome position (GRCh38, 1-based): chr9:128,907,612, A>G. VCF-style: chr9-128907612-A-G. GRCh37 (hg19) VCF-style: chr9-131669891-A-G.
Other names: c.448A>G, p.Ser150Gly (NM_001127244.2, NM_001127245.2); short protein forms S150G.
Identifiers: ClinVar variation 4845628 (VCV004845628.1).

ClinVar aggregate classification (germline): Uncertain significance (1 of 4 stars; one submission).

Submission:

Hadassah Hebrew University Medical Center
Classification: Uncertain significance. Review status: criteria provided, single submitter. Criteria: ACMG Guidelines, 2015. Collection method: clinical testing. Allele origin: germline. Inheritance: Autosomal dominant inheritance. Affected: yes. Clinical features observed: Global developmental delay (HP:0001263), Cleft palate (HP:0000175), Atrial septal defect (HP:0001631), Klippel-Feil syndrome (HP:0004602), Abnormal facial shape (HP:0001999), Short stature (HP:0004322), Microcephaly (HP:0000252).
Comment: De novo heterozygous missense variant in gene not know to be associated with human disease; however, two additional cases ascertained through genematcher with phenotype and genotype overlap